The following is an entry in ClinVar:

ClinVar aggregate classification (germline): Uncertain significance (1 of 4 stars; one submission).

Conditions:
Common variable immunodeficiency (CVID). Also called: Common variable hypogamma-globulinemia; Common variable agammaglobulinemia. Identifiers: Orphanet 1572, MedGen C0009447, MONDO:0015517.

Allele frequency attached by ClinVar (database versions not stated): gnomAD 0.00001; gnomAD exomes 0.00001; TOPMed 0.00001; ExAC 0.00002.
gnomAD v4.1: 15 of 1,611,460 alleles (0.00093%); highest among the groups gnomAD compares: East Asian, 0.0045%; no homozygotes.

Submission:

Labcorp Genetics (formerly Invitae), Labcorp
Classification: Uncertain significance for Common variable immunodeficiency. Last evaluated: 2023-07-10. Review status: criteria provided, single submitter. Criteria: Invitae Variant Classification Sherloc (09022015). Collection method: clinical testing. Allele origin: germline.
Comment: This sequence change replaces arginine, which is basic and polar, with glutamine, which is neutral and polar, at codon 102 of the TNFSF12 protein (p.Arg102Gln). This variant is present in population databases (rs749853561, gnomAD 0.005%). This variant has not been reported in the literature in individuals affected with TNFSF12-related conditions. ClinVar contains an entry for this variant (Variation ID: 1359161). An algorithm developed to predict the effect of missense changes on protein structure and function (PolyPhen-2) suggests that this variant is likely to be disruptive. In summary, the available evidence is currently insufficient to determine the role of this variant in disease. Therefore, it has been classified as a Variant of Uncertain Significance.

NM_003809.3(TNFSF12):c.305G>A (p.Arg102Gln)

Genes: TNFSF12 (TNF superfamily member 12; plus strand), TNFSF12-TNFSF13 (TNFSF12-TNFSF13 readthrough; plus strand). Cytogenetic location: 17p13.1.
Variant type: single nucleotide variant.
Coding change: c.305G>A on transcript NM_003809.3 (MANE Select); coding-DNA position 305, G replaced by A.
Protein change: p.Arg102Gln; replaces arginine 102 with glutamine.
Molecular consequence: missense variant. On other transcripts: non-coding transcript variant (1).
Genome position (GRCh38, 1-based): chr17:7,550,820, G>A. VCF-style: chr17-7550820-G-A. GRCh37 (hg19) VCF-style: chr17-7454137-G-A.
Other names: c.305G>A, p.Arg102Gln (NM_172089.4); short protein forms R102Q.
Identifiers: ClinVar variation 1359161 (VCV001359161.6), dbSNP rs749853561, ClinGen allele CA8350764.